The following is an entry in ClinVar:

ClinVar aggregate classification (germline): Conflicting classifications of pathogenicity. Review status: criteria provided, conflicting classifications (1 of 4 stars). 7 submissions from 7 submitters: Uncertain significance (1); Benign (2); Likely benign (3). 1 of the submissions does not count toward it. Last evaluated 2026-01-18.

Conditions:
WHIM syndrome 1 (WHIMS). Identifiers: Orphanet 51636, MedGen C5542296, MONDO:8000006, OMIM 193670.
Warts, hypogammaglobulinemia, infections, and myelokathexis. Also called: WHIM syndrome. Identifiers: MedGen C0472817, MONDO:0023880.

Allele frequency attached by ClinVar (database versions not stated): 1000 Genomes Project 0.00020; 1000 Genomes Project 30x 0.00031; ESP Exome Variant Server 0.00031; gnomAD exomes 0.00038 and 0.00054; gnomAD 0.00041 and 0.00045; ExAC 0.00042; TOPMed 0.00053.
gnomAD v4.1: 643 of 1,614,232 alleles (0.04%); highest among the groups gnomAD compares: Middle Eastern, 0.16%; 1 homozygote.

Submissions (7):

Labcorp Genetics (formerly Invitae), Labcorp
Classification: Benign for Warts, hypogammaglobulinemia, infections, and myelokathexis. Last evaluated: 2026-01-18. Review status: criteria provided, single submitter. Criteria: Invitae Variant Classification Sherloc (09022015). Collection method: clinical testing. Allele origin: germline.

Mayo Clinic Laboratories, Mayo Clinic
Classification: Likely benign. Last evaluated: 2025-04-30. Review status: criteria provided, single submitter. Criteria: ACMG Guidelines, 2015. Collection method: clinical testing. Allele origin: germline. Observed: 4 variant alleles.
Comment: BS1, BP4_moderate

Blueprint Genetics
Classification: Likely benign. Last evaluated: 2024-10-23. Review status: criteria provided, single submitter. Criteria: ACMG Guidelines, 2015. Collection method: clinical testing. Allele origin: germline.

CeGaT Center for Human Genetics Tuebingen
Classification: Benign. Last evaluated: 2023-03-01. Review status: criteria provided, single submitter. Criteria: CeGaT Center For Human Genetics Tuebingen Variant Classification Criteria Version 2. Collection method: clinical testing. Allele origin: germline. Affected: yes. Observed: 2 variant alleles.
Comment: CXCR4: BS1, BS2

Genetic Services Laboratory, University of Chicago
Classification: Likely benign. Last evaluated: 2021-08-09. Review status: criteria provided, single submitter. Criteria: ACMG Guidelines, 2015. Collection method: clinical testing. Allele origin: germline. Affected: no.

Center for Genomics, Ann and Robert H. Lurie Children's Hospital of Chicago
Classification: Uncertain significance for WHIM syndrome 1. Last evaluated: 2021-07-09. Review status: criteria provided, single submitter. Criteria: ACMG Guidelines, 2015. Collection method: clinical testing. Allele origin: germline.
Comment: CXCR4 NM_003467.2 exon 2 p.Ile53Leu (c.157A>C): This variant has been reported in the literature in at least 3 individuals: 2 with juvenile idiopathic arthritis and 1 with primary immunodeficiency (Finkel 2016 PMID:27005825, Platt 2021 PMID:32888943). This variant is present in 0.7% (11/15286) of Latino alleles in the Genome Aggregation Database. This variant is present in ClinVar (Variation ID:709395). Evolutionary conservation suggests that this variant may impact the protein; computational predictive tools are unclear. In summary, data on this variant is insufficient for disease classification. Therefore, the clinical significance of this variant is uncertain.

Department of Pathology and Laboratory Medicine, Sinai Health System
Classification: Uncertain significance. Review status: no assertion criteria provided. Collection method: clinical testing. Allele origin: unknown. Affected: yes. Study: The Canadian Open Genetics Repository (COGR). Not counted in ClinVar's aggregate classification.
Comment: The CXCR4 p.Ile57Leu variant was identified in 2 of 960 proband chromosomes (frequency: 0.0021) from individuals with juvenile idiopathic arthritis and was not identified in 960 control chromosomes from healthy individuals (Finkel_2016_PMID:27005825). The variant was identified in dbSNP (ID: rs56400844) but was not identified in ClinVar or Cosmic. The variant was identified in control databases in 135 of 268326 chromosomes at a frequency of 0.0005031 increasing the likelihood this could be a low frequency benign variant (Genome Aggregation Database March 6, 2019, v2.1.1, non-cancer). The variant was observed in the following populations: Ashkenazi Jewish in 59 of 9862 chromosomes (freq: 0.005983), Latino in 22 of 35108 chromosomes (freq: 0.000627), Other in 3 of 6708 chromosomes (freq: 0.000447), European (non-Finnish) in 49 of 118150 chromosomes (freq: 0.000415) and African in 2 of 23614 chromosomes (freq: 0.000085), but was not observed in the East Asian, European (Finnish), or South Asian populations. The p.Ile57 residue is conserved in mammals and computational analyses (PolyPhen-2, SIFT, AlignGVGD, BLOSUM, MutationTaster) provide inconsistent predictions regarding the impact to the protein; this information is not very predictive of pathogenicity. The variant occurs outside of the splicing consensus sequence and in silico or computational prediction software programs (SpliceSiteFinder, MaxEntScan, NNSPLICE, GeneSplicer) do not predict a difference in splicing. In summary, based on the above information the clinical significance of this variant cannot be determined with certainty at this time. This variant is classified as a variant of uncertain significance.

Literature cited by the submitters: PubMed 27005825 (cited by Mayo Clinic Laboratories, Mayo Clinic); PubMed 32888943 (cited by Mayo Clinic Laboratories, Mayo Clinic).

NM_003467.3(CXCR4):c.157A>C (p.Ile53Leu)

Gene: CXCR4 (C-X-C motif chemokine receptor 4; minus strand). Cytogenetic location: 2q22.1.
Variant type: single nucleotide variant.
Coding change: c.157A>C on transcript NM_003467.3 (MANE Select); coding-DNA position 157, A replaced by C.
Protein change: p.Ile53Leu; replaces isoleucine 53 with leucine.
Molecular consequence: missense variant.
Genome position (GRCh38, 1-based): chr2:136,115,771, T>G on the plus strand (A>C on the coding strand, the complement: CXCR4 is on the minus strand). VCF-style: chr2-136115771-T-G. GRCh37 (hg19) VCF-style: chr2-136873341-T-G.
Other names: p.Ile53Leu; c.169A>C, p.Ile57Leu (NM_001008540.2); c.370A>C, p.Ile124Leu (NM_001348056.2); c.256A>C, p.Ile86Leu (NM_001348059.2); c.112A>C, p.Ile38Leu (NM_001348060.2); short protein forms I53L, I57L, I124L, I38L, I86L.
Identifiers: ClinVar variation 709395 (VCV000709395.46), dbSNP rs56400844, ClinGen allele CA1890152.